The following is an entry in ClinVar:

ClinVar aggregate classification (germline): Uncertain significance (1 of 4 stars; one submission).

Conditions:
Dilated cardiomyopathy 1W (CMD1W). Identifiers: Orphanet 154, MedGen C1969639, MONDO:0012667, OMIM 611407.

Submission:

Labcorp Genetics (formerly Invitae), Labcorp
Classification: Uncertain significance for Dilated cardiomyopathy 1W. Last evaluated: 2023-06-28. Review status: criteria provided, single submitter. Criteria: Invitae Variant Classification Sherloc (09022015). Collection method: clinical testing. Allele origin: germline.
Comment: In summary, the available evidence is currently insufficient to determine the role of this variant in disease. Therefore, it has been classified as a Variant of Uncertain Significance. This variant has not been reported in the literature in individuals affected with VCL-related conditions. This variant is not present in population databases (gnomAD no frequency). This sequence change creates a premature translational stop signal (p.Asp848Thrfs*7) in the VCL gene. It is expected to result in an absent or disrupted protein product. However, the current clinical and genetic evidence is not sufficient to establish whether loss-of-function variants in VCL cause disease.

NM_014000.3(VCL):c.2541del (p.Asp848fs)

Gene: VCL (vinculin; plus strand). Cytogenetic location: 10q22.2.
Variant type: Deletion.
Coding change: c.2541del on transcript NM_014000.3 (MANE Select); coding-DNA position 2541, one base deleted (A; older notation c.2541delA).
Protein change: p.Asp848fs; shifts the reading frame from aspartic acid 848.
Molecular consequence: frameshift variant.
Genome position (GRCh38, 1-based): chr10:74,107,336, A deleted. VCF-style (leftmost placement, unchanged base first): chr10-74107335-CA-C. GRCh37 (hg19) VCF-style: chr10-75867093-CA-C.
Other names: c.2541del, p.Asp848fs (NM_003373.4); short protein forms D848fs.
Identifiers: ClinVar variation 2731739 (VCV002731739.3), dbSNP rs2549233517, ClinGen allele CA2697558486.